The following is an entry in ClinVar:

NM_022915.5(MRPL44):c.287G>A (p.Cys96Tyr)

Gene: MRPL44 (mitochondrial ribosomal protein L44; plus strand). Cytogenetic location: 2q36.1.
Variant type: single nucleotide variant.
Coding change: c.287G>A on transcript NM_022915.5 (MANE Select); coding-DNA position 287, G replaced by A.
Protein change: p.Cys96Tyr; replaces cysteine 96 with tyrosine.
Molecular consequence: missense variant.
Genome position (GRCh38, 1-based): chr2:223,959,641, G>A. VCF-style: chr2-223959641-G-A. GRCh37 (hg19) VCF-style: chr2-224824358-G-A.
Other names: short protein forms C96Y.
Identifiers: ClinVar variation 1496122 (VCV001496122.8), dbSNP rs2106116444, ClinGen allele CA350806078.

ClinVar aggregate classification (germline): Uncertain significance (1 of 4 stars; one submission).

Submission:

Labcorp Genetics (formerly Invitae), Labcorp
Classification: Uncertain significance. Last evaluated: 2022-11-08. Review status: criteria provided, single submitter. Criteria: Invitae Variant Classification Sherloc (09022015). Collection method: clinical testing. Allele origin: germline.
Comment: In summary, the available evidence is currently insufficient to determine the role of this variant in disease. Therefore, it has been classified as a Variant of Uncertain Significance. Advanced modeling of protein sequence and biophysical properties (such as structural, functional, and spatial information, amino acid conservation, physicochemical variation, residue mobility, and thermodynamic stability) performed at Invitae indicates that this missense variant is expected to disrupt MRPL44 protein function. ClinVar contains an entry for this variant (Variation ID: 1496122). This variant has not been reported in the literature in individuals affected with MRPL44-related conditions. This variant is not present in population databases (gnomAD no frequency). This sequence change replaces cysteine, which is neutral and slightly polar, with tyrosine, which is neutral and polar, at codon 96 of the MRPL44 protein (p.Cys96Tyr).